The following is an entry in ClinVar:

NM_001369268.1(ACAN):c.6858G>T (p.Glu2286Asp)

Gene: ACAN (aggrecan; plus strand). Cytogenetic location: 15q26.1.
Variant type: single nucleotide variant.
Coding change: c.6858G>T on transcript NM_001369268.1 (MANE Select); coding-DNA position 6858, G replaced by T.
Protein change: p.Glu2286Asp; replaces glutamic acid 2286 with aspartic acid.
Molecular consequence: missense variant. On other transcripts: intron variant (3).
Genome position (GRCh38, 1-based): chr15:88,860,351, G>T. VCF-style: chr15-88860351-G-T. GRCh37 (hg19) VCF-style: chr15-89403582-G-T.
Other names: c.6858G>T, p.Glu2286Asp (NM_013227.4); c.6832+934G>T (NM_001411097.1, NM_001411096.1, NM_001135.4); short protein forms E2286D.
Identifiers: ClinVar variation 5017331 (VCV005017331.1).

ClinVar aggregate classification (germline): Uncertain significance (1 of 4 stars; one submission).

Submission:

GeneDx
Classification: Uncertain significance. Last evaluated: 2026-03-24. Review status: criteria provided, single submitter. Criteria: GeneDx Variant Classification Process June 2021. Collection method: clinical testing. Allele origin: germline.
Comment: Not observed at significant frequency in large population cohorts (gnomAD); In silico analysis suggests that this missense variant does not alter protein structure/function; Has not been previously published as pathogenic or benign to our knowledge